The following is an entry in ClinVar:

ClinVar aggregate classification (germline): Conflicting classifications of pathogenicity. Review status: criteria provided, conflicting classifications (1 of 4 stars). 10 submissions from 10 submitters: Uncertain significance (4); Likely benign (6). Last evaluated 2026-09-01.

Conditions:
Hereditary cancer-predisposing syndrome. Also called: Hereditary neoplastic syndrome; Tumor predisposition; Neoplastic Syndromes, Hereditary; Hereditary Cancer Syndrome. Identifiers: Orphanet 140162, MedGen C0027672, MeSH D009386, MONDO:0015356.
Tuberous sclerosis syndrome (TSC). Also called: Tuberous Sclerosis Complex; Tuberous sclerosis. Identifiers: Orphanet 805, MedGen C0041341, MONDO:0001734.
Tuberous sclerosis 1 (TSC1). Identifiers: Orphanet 805, MedGen C1854465, MONDO:0008612, OMIM 191100.
Lymphangiomyomatosis (LAM). Also called: Lymphangioleiomyomatosis; Lymphangioleiomyomatosis, somatic. Identifiers: Orphanet 538, MedGen C0751674, MONDO:0011705, OMIM 606690.

Allele frequency attached by ClinVar (database versions not stated): gnomAD exomes 0.00001; gnomAD 0.00002; TOPMed 0.00002.
gnomAD v4.1: 14 of 1,613,808 alleles (0.00087%); highest among the groups gnomAD compares: Non-Finnish European, 0.0012%; no homozygotes.

Submissions (10):

CeGaT Center for Human Genetics Tuebingen
Classification: Likely benign. Last evaluated: 2026-09-01. Review status: criteria provided, single submitter. Criteria: CeGaT Center For Human Genetics Tuebingen Variant Classification Criteria Version 2. Collection method: clinical testing. Allele origin: germline. Affected: yes. Observed: 1 variant allele.
Comment: TSC1: PM2, PP2, BS2

Labcorp Genetics (formerly Invitae), Labcorp
Classification: Likely benign for Tuberous sclerosis 1. Last evaluated: 2026-01-28. Review status: criteria provided, single submitter. Criteria: Invitae Variant Classification Sherloc (09022015). Collection method: clinical testing. Allele origin: germline.

Color Diagnostics, LLC DBA Color Health
Classification: Likely benign for Tuberous sclerosis syndrome. Last evaluated: 2025-09-03. Review status: criteria provided, single submitter. Criteria: ACMG Guidelines, 2015. Collection method: clinical testing. Allele origin: germline.

Blueprint Genetics
Classification: Uncertain significance. Last evaluated: 2024-07-16. Review status: criteria provided, single submitter. Criteria: ACMG Guidelines, 2015. Collection method: clinical testing. Allele origin: germline.

All of Us Research Program, National Institutes of Health
Classification: Uncertain significance for Tuberous sclerosis syndrome. Last evaluated: 2023-06-28. Review status: criteria provided, single submitter. Criteria: ACMG Guidelines, 2015. Collection method: clinical testing. Allele origin: germline. Inheritance: Autosomal dominant inheritance. Observed: 3 variant alleles, 3 heterozygotes.
Comment: This missense variant replaces glycine with valine at codon 443 of the TSC1 protein. Computational prediction suggests that this variant may not impact protein structure and function (internally defined REVEL score threshold <= 0.5, PMID: 27666373). To our knowledge, functional studies have not been reported for this variant. This variant has not been reported in individuals affected with TSC1-related disorders in the literature. This variant has been identified in 1/31402 chromosomes in the general population by the Genome Aggregation Database (gnomAD). The available evidence is insufficient to determine the role of this variant in disease conclusively. Therefore, this variant is classified as a Variant of Uncertain Significance.

This study involves interpretation of variants in research participants for the purpose of population health screening. Participant phenotype was not available at the time of variant classification. Additional details can be found in publication PMID: 35346344, PMCID: PMC8962531

Ambry Genetics
Classification: Likely benign for Hereditary cancer-predisposing syndrome. Last evaluated: 2022-11-04. Review status: criteria provided, single submitter. Criteria: Ambry Variant Classification Scheme 2023. Collection method: clinical testing. Allele origin: germline.

Genome-Nilou Lab
Classification: Likely benign for Tuberous sclerosis 1. Last evaluated: 2021-11-07. Review status: criteria provided, single submitter. Criteria: ACMG Guidelines, 2015. Collection method: clinical testing. Allele origin: germline. Affected: no.

Sema4
Classification: Uncertain significance for Hereditary cancer-predisposing syndrome. Last evaluated: 2021-05-30. Review status: criteria provided, single submitter. Criteria: Sema4 Curation Guidelines. Collection method: curation. Allele origin: germline.
Comment: The TSC1 c.1328G>T (p.G443V) variant has been reported in heterozygosity in at least one individual with neuroblastoma (PMID: 26580448). It was observed in 1/15424 chromosomes of the Non-Finnish European subpopulation in the large and broad cohorts of the Genome Aggregation Database. The variant has been reported in ClinVar (Variation ID 466025). In silico tools suggest the impact of the variant on protein function is inconclusive, though these predictions have not been confirmed by functional studies. The evidence is insufficient to meet ACMG/AMP criteria for classifying the variant as benign or pathogenic. Thus, the clinical significance of this variant is currently uncertain.

GeneDx
Classification: Likely benign. Last evaluated: 2020-06-08. Review status: criteria provided, single submitter. Criteria: GeneDx Variant Classification Process June 2021. Collection method: clinical testing. Allele origin: germline. Affected: yes.
Comment: In silico analysis supports that this missense variant does not alter protein structure/function; Has not been previously published as pathogenic or benign to our knowledge

Centre for Mendelian Genomics, University Medical Centre Ljubljana
Classification: Uncertain significance for Lymphangiomyomatosis. Last evaluated: 2018-10-04. Review status: criteria provided, single submitter. Criteria: ACMG Guidelines, 2015. Collection method: clinical testing. Allele origin: unknown. Affected: yes.
Comment: This variant was classified as: Uncertain significance. The available evidence on this variant's pathogenicity is insufficient or conflicting. The following ACMG criteria were applied in classifying this variant: PP3,PM2.

Literature cited by the submitters: PubMed 26580448 (cited by Sema4).

NM_000368.5(TSC1):c.1328G>T (p.Gly443Val)

Gene: TSC1 (TSC complex subunit 1; minus strand). Cytogenetic location: 9q34.13.
Variant type: single nucleotide variant.
Coding change: c.1328G>T on transcript NM_000368.5 (MANE Select); coding-DNA position 1328, G replaced by T.
Protein change: p.Gly443Val; replaces glycine 443 with valine.
Molecular consequence: missense variant.
Genome position (GRCh38, 1-based): chr9:132,907,306, C>A on the plus strand (G>T on the coding strand, the complement: TSC1 is on the minus strand). VCF-style: chr9-132907306-C-A. GRCh37 (hg19) VCF-style: chr9-135782693-C-A.
Other names: c.1325G>T, p.Gly442Val (NM_001162426.2); c.1175G>T, p.Gly392Val (NM_001162427.2); c.965G>T, p.Gly322Val (NM_001362177.2); short protein forms G443V, G322V, G392V, G442V.
Identifiers: ClinVar variation 466025 (VCV000466025.25), dbSNP rs1489175329, ClinGen allele CA375366083.